The following is an entry in ClinVar:

ClinVar aggregate classification (germline): Uncertain significance. Review status: criteria provided, multiple submitters, no conflicts (2 of 4 stars). 2 submissions from 2 submitters: Uncertain significance (2). Last evaluated 2024-11-15.

Conditions:
Brugada syndrome. Also called: Sudden unexplained nocturnal death syndrome; Sudden unexpected nocturnal death syndrome; Sudden Unexplained Death Syndrome; Sudden Unexplained Nocturnal Death Syndrome (SUNDS). Identifiers: Orphanet 130, MedGen C1142166, MONDO:0015263.

Submissions (2):

GeneDx
Classification: Uncertain significance. Last evaluated: 2024-11-15. Review status: criteria provided, single submitter. Criteria: GeneDx Variant Classification Process June 2021. Collection method: clinical testing. Allele origin: germline. Affected: yes.
Comment: Not observed at significant frequency in large population cohorts (gnomAD); In silico analysis supports that this missense variant has a deleterious effect on protein structure/function; Has not been previously published as pathogenic or benign to our knowledge

Labcorp Genetics (formerly Invitae), Labcorp
Classification: Uncertain significance for Brugada syndrome. Last evaluated: 2024-10-10. Review status: criteria provided, single submitter. Criteria: Invitae Variant Classification Sherloc (09022015). Collection method: clinical testing. Allele origin: germline.
Comment: This sequence change replaces methionine, which is neutral and non-polar, with arginine, which is basic and polar, at codon 374 of the SCN10A protein (p.Met374Arg). This variant is not present in population databases (gnomAD no frequency). This variant has not been reported in the literature in individuals affected with SCN10A-related conditions. Invitae Evidence Modeling of protein sequence and biophysical properties (such as structural, functional, and spatial information, amino acid conservation, physicochemical variation, residue mobility, and thermodynamic stability) has been performed for this missense variant. However, the output from this modeling did not meet the statistical confidence thresholds required to predict the impact of this variant on SCN10A protein function. In summary, the available evidence is currently insufficient to determine the role of this variant in disease. Therefore, it has been classified as a Variant of Uncertain Significance.

NM_006514.4(SCN10A):c.1121T>G (p.Met374Arg)

Gene: SCN10A (sodium voltage-gated channel alpha subunit 10; minus strand). Cytogenetic location: 3p22.2.
Variant type: single nucleotide variant.
Coding change: c.1121T>G on transcript NM_006514.4 (MANE Select); coding-DNA position 1121, T replaced by G.
Protein change: p.Met374Arg; replaces methionine 374 with arginine.
Molecular consequence: missense variant.
Genome position (GRCh38, 1-based): chr3:38,756,843, A>C on the plus strand (T>G on the coding strand, the complement: SCN10A is on the minus strand). VCF-style: chr3-38756843-A-C. GRCh37 (hg19) VCF-style: chr3-38798334-A-C.
Other names: c.1121T>G (NM_006514.2); c.1121T>G, p.Met374Arg (NM_001293306.2, NM_001293307.2); short protein forms M374R.
Identifiers: ClinVar variation 3692653 (VCV003692653.3).
Genomic context (GRCh38, chr3:38,756,843, plus strand): 5'-GCCAAGATCAAGTTGACCAGGTAGAAAGATCCCAGGAAGATTACGAGCACAAAAAAGATC[A>C]TATAGATTTTCCCAGAAGTCCTCAGGGTCTGCAGGTTCAAGGGAAAGAAGAGAAACCTGT-3'
Protein context (NP_006505.4, residues 364-384): QTLRTSGKIY[Met374Arg]IFFVLVIFLG